The following is an entry in ClinVar:

ClinVar aggregate classification (germline): Uncertain significance (1 of 4 stars; one submission).

Conditions:
Developmental and epileptic encephalopathy, 27 (DEE27). Also called: Epileptic encephalopathy, early infantile, 27; GRIN2B-Related Neurodevelopmental Disorder. Identifiers: Orphanet 3451, MedGen C4015316, MONDO:0014505, OMIM 616139.
Intellectual developmental disorder, autosomal dominant 6, with or without seizures. Also called: Intellectual disability, autosomal dominant 6; GRIN2B-related developmental delay, intellectual disability and autism spectrum disorder. Identifiers: Orphanet 589547, MedGen C3151411, MONDO:0013509, OMIM 613970.

Submission:

Labcorp Genetics (formerly Invitae), Labcorp
Classification: Uncertain significance for Developmental and epileptic encephalopathy, 27; Intellectual developmental disorder, autosomal dominant 6, with or without seizures. Last evaluated: 2024-09-17. Review status: criteria provided, single submitter. Criteria: Invitae Variant Classification Sherloc (09022015). Collection method: clinical testing. Allele origin: germline.
Comment: This sequence change replaces lysine, which is basic and polar, with asparagine, which is neutral and polar, at codon 1120 of the GRIN2B protein (p.Lys1120Asn). This variant is not present in population databases (gnomAD no frequency). This variant has not been reported in the literature in individuals affected with GRIN2B-related conditions. Invitae Evidence Modeling of protein sequence and biophysical properties (such as structural, functional, and spatial information, amino acid conservation, physicochemical variation, residue mobility, and thermodynamic stability) indicates that this missense variant is not expected to disrupt GRIN2B protein function with a negative predictive value of 95%. In summary, the available evidence is currently insufficient to determine the role of this variant in disease. Therefore, it has been classified as a Variant of Uncertain Significance.

NM_000834.5(GRIN2B):c.3360G>T (p.Lys1120Asn)

Gene: GRIN2B (glutamate ionotropic receptor NMDA type subunit 2B; minus strand). Cytogenetic location: 12p13.1.
Variant type: single nucleotide variant.
Coding change: c.3360G>T on transcript NM_000834.5 (MANE Select); coding-DNA position 3360, G replaced by T.
Protein change: p.Lys1120Asn; replaces lysine 1120 with asparagine.
Molecular consequence: missense variant.
Genome position (GRCh38, 1-based): chr12:13,563,878, C>A on the plus strand (G>T on the coding strand, the complement: GRIN2B is on the minus strand). VCF-style: chr12-13563878-C-A. GRCh37 (hg19) VCF-style: chr12-13716812-C-A.
Other names: c.3360G>T, p.Lys1120Asn (NM_001413992.1); short protein forms K1120N.
Identifiers: ClinVar variation 3753853 (VCV003753853.2).